The following is an entry in ClinVar:

NM_153717.3(EVC):c.343C>G (p.Leu115Val)

Gene: EVC (EvC ciliary complex subunit 1; plus strand). Cytogenetic location: 4p16.2.
Variant type: single nucleotide variant.
Coding change: c.343C>G on transcript NM_153717.3 (MANE Select); coding-DNA position 343, C replaced by G.
Protein change: p.Leu115Val; replaces leucine 115 with valine.
Molecular consequence: missense variant.
Genome position (GRCh38, 1-based): chr4:5,729,349, C>G. VCF-style: chr4-5729349-C-G. GRCh37 (hg19) VCF-style: chr4-5731076-C-G.
Other names: c.343C>G, p.Leu115Val (NM_001306090.2, NM_001306092.2); short protein forms L115V.
Identifiers: ClinVar variation 3339190 (VCV003339190.1).

ClinVar aggregate classification (germline): Uncertain significance (1 of 4 stars; one submission).

gnomAD v4.1: 4 of 1,614,138 alleles (0.00025%); highest among the groups gnomAD compares: East Asian, 0.0067%; no homozygotes.

Submission:

Women's Health and Genetics/Laboratory Corporation of America, LabCorp
Classification: Uncertain significance. Last evaluated: 2024-07-30. Review status: criteria provided, single submitter. Criteria: LabCorp Variant Classification Summary - May 2015. Collection method: clinical testing. Allele origin: germline.
Comment: Variant summary: EVC c.343C>G (p.Leu115Val) results in a conservative amino acid change in the encoded protein sequence. Three of five in-silico tools predict a damaging effect of the variant on protein function. The variant allele was found at a frequency of 2e-05 in 251488 control chromosomes. The available data on variant occurrences in the general population are insufficient to allow any conclusion about variant significance. c.343C>G has been reported in the literature in heterozygous state in an individual affected with ventricular septal defect (Liu_2018). These report(s) do not provide unequivocal conclusions about association of the variant with Ellis-van Creveld syndrome. At least one publication reports experimental evidence that the variant decreased cell proliferation and increased apoptosis, however, does not allow convincing conclusions about the variant effect (Liu_2018). The following publication has been ascertained in the context of this evaluation (PMID: 29257216). No submitters have cited clinical-significance assessments for this variant to ClinVar. Based on the evidence outlined above, the variant was classified as uncertain significance.

Literature cited by the submitters: PubMed 29257216.